The following is an entry in ClinVar:

NM_031220.4(PITPNM3):c.1778T>C (p.Met593Thr)

Gene: PITPNM3 (PITPNM family member 3; minus strand). Cytogenetic location: 17p13.2.
Variant type: single nucleotide variant.
Coding change: c.1778T>C on transcript NM_031220.4 (MANE Select); coding-DNA position 1778, T replaced by C.
Protein change: p.Met593Thr; replaces methionine 593 with threonine.
Molecular consequence: missense variant.
Genome position (GRCh38, 1-based): chr17:6,468,337, A>G on the plus strand (T>C on the coding strand, the complement: PITPNM3 is on the minus strand). VCF-style: chr17-6468337-A-G. GRCh37 (hg19) VCF-style: chr17-6371657-A-G.
Other names: c.1670T>C, p.Met557Thr (NM_001165966.2); short protein forms M557T, M593T.
Identifiers: ClinVar variation 1054826 (VCV001054826.9), dbSNP rs755871223, ClinGen allele CA8329384.
Genomic context (GRCh38, chr17:6,468,337, plus strand): 5'-GGACTCAGTGCTGCAGGGTCCAGGCGGGCGCTTTCCTTGATGTTCACGCTCTCATAGCGC[A>G]TTACCTAGCCAAGAGCCGAGCAGGGCCCCGGTCAGGTCTTCTGGCTTCTCTGCTTCCCTC-3'
Protein context (NP_112497.2, residues 583-603): DVVAFILRQV[Met593Thr]RYESVNIKES

ClinVar aggregate classification (germline): Uncertain significance (1 of 4 stars; one submission).

Allele frequency attached by ClinVar (database versions not stated): gnomAD exomes 0.00002; ExAC 0.00003.
gnomAD v4.1: 6 of 1,614,086 alleles (0.00037%); highest among the groups gnomAD compares: Admixed American, 0.0083%; no homozygotes.

Submission:

Labcorp Genetics (formerly Invitae), Labcorp
Classification: Uncertain significance. Last evaluated: 2021-05-07. Review status: criteria provided, single submitter. Criteria: Invitae Variant Classification Sherloc (09022015). Collection method: clinical testing. Allele origin: germline.
Comment: In summary, the available evidence is currently insufficient to determine the role of this variant in disease. Therefore, it has been classified as a Variant of Uncertain Significance. Algorithms developed to predict the effect of missense changes on protein structure and function are either unavailable or do not agree on the potential impact of this missense change (SIFT: "Tolerated"; PolyPhen-2: "Possibly Damaging"; Align-GVGD: "Class C0"). This variant has not been reported in the literature in individuals with PITPNM3-related conditions. This variant is present in population databases (rs755871223, ExAC 0.03%). This sequence change replaces methionine with threonine at codon 593 of the PITPNM3 protein (p.Met593Thr). The methionine residue is highly conserved and there is a moderate physicochemical difference between methionine and threonine.